The following is an entry in ClinVar:

ClinVar aggregate classification (germline): Uncertain significance (1 of 4 stars; one submission).

Conditions:
DOCK2 deficiency. Also called: Immunodeficiency 40. Identifiers: Orphanet 447737, MedGen C4225328, MONDO:0014637, OMIM 616433.

Submission:

Labcorp Genetics (formerly Invitae), Labcorp
Classification: Uncertain significance for DOCK2 deficiency. Last evaluated: 2022-08-22. Review status: criteria provided, single submitter. Criteria: Invitae Variant Classification Sherloc (09022015). Collection method: clinical testing. Allele origin: germline.
Comment: This sequence change replaces glutamic acid, which is acidic and polar, with leucine, which is neutral and non-polar, at codon 864 of the DOCK2 protein (p.Glu864Leu). Information on the frequency of this variant in the gnomAD database is not available, as this variant may be reported differently in the database. This variant has not been reported in the literature in individuals affected with DOCK2-related conditions. Algorithms developed to predict the effect of missense changes on protein structure and function are either unavailable or do not agree on the potential impact of this missense change (SIFT: "Not Available"; PolyPhen-2: "Benign"; Align-GVGD: "Not Available"). In summary, the available evidence is currently insufficient to determine the role of this variant in disease. Therefore, it has been classified as a Variant of Uncertain Significance.

NM_004946.3(DOCK2):c.2590_2591delinsTT (p.Glu864Leu)

Gene: DOCK2 (dedicator of cytokinesis 2; plus strand). Cytogenetic location: 5q35.1.
Variant type: Indel.
Coding change: c.2590_2591delinsTT on transcript NM_004946.3 (MANE Select); coding-DNA positions 2590 to 2591, GA replaced by TT.
Protein change: p.Glu864Leu; replaces glutamic acid 864 with leucine.
Molecular consequence: missense variant. On other transcripts: non-coding transcript variant (1).
Genome position (GRCh38, 1-based): chr5:169,803,093-169,803,094, GA replaced by TT. VCF-style: chr5-169803093-GA-TT. GRCh37 (hg19) VCF-style: chr5-169230097-GA-TT.
Other names: short protein forms E864L.
Identifiers: ClinVar variation 2043658 (VCV002043658.4), dbSNP rs2533046820, ClinGen allele CA2580074017.